The following is an entry in ClinVar:

NM_001394966.1(NEK10):c.2091-13184C>T

Gene: NEK10 (NIMA related kinase 10; minus strand). Cytogenetic location: 3p24.1.
Variant type: single nucleotide variant.
Coding change: c.2091-13184C>T on transcript NM_001394966.1 (MANE Select); 13184 bases into the intron before coding-DNA position 2091, C replaced by T.
Molecular consequence: intron variant. On other transcripts: missense variant (2), 3 prime UTR variant (1).
Genome position (GRCh38, 1-based): chr3:27,215,741, G>A on the plus strand (C>T on the coding strand, the complement: NEK10 is on the minus strand). VCF-style: chr3-27215741-G-A. GRCh37 (hg19) VCF-style: chr3-27257232-G-A.
Other names: c.17C>T, p.Pro6Leu (NM_001031741.5, NM_001304384.3); c.*91C>T (NM_199347.4); c.2004-23499C>T (NM_001394969.1); c.2004-13184C>T (NM_001394967.1, NM_001394964.1); c.2091-13184C>T (NM_001394965.1, NM_001394963.1, NM_001394970.1 and 2 more transcripts); c.1974-13184C>T (NM_001394968.1); short protein forms P6L.
Identifiers: ClinVar variation 2653634 (VCV002653634.24), dbSNP rs763059195, ClinGen allele CA2290615.

ClinVar aggregate classification (germline): Likely benign (1 of 4 stars; one submission).

Allele frequency attached by ClinVar (database versions not stated): gnomAD 0.00005; ExAC 0.00007; TOPMed 0.00007; gnomAD exomes 0.00012.
gnomAD v4.1: 75 of 710,906 alleles (0.011%); highest among the groups gnomAD compares: Non-Finnish European, 0.017%; no homozygotes.

Submission:

CeGaT Center for Human Genetics Tuebingen
Classification: Likely benign. Last evaluated: 2022-11-01. Review status: criteria provided, single submitter. Criteria: CeGaT Center For Human Genetics Tuebingen Variant Classification Criteria Version 2. Collection method: clinical testing. Allele origin: germline. Affected: yes. Observed: 1 variant allele.
Comment: NEK10: BP4